The following is an entry in ClinVar:

ClinVar aggregate classification (germline): Pathogenic. Review status: criteria provided, single submitter (1 of 4 stars). 2 submissions from 2 submitters: Pathogenic (1). 1 of the submissions does not count toward it. Last evaluated 2023-02-08.

Conditions:
Cortical dysplasia-focal epilepsy syndrome (PTHSL1). Also called: Pitt-Hopkins-like syndrome 1. Identifiers: Orphanet 163681, Orphanet 221150, MedGen C2750246, MONDO:0012400, OMIM 610042.

Submissions (2):

St. Anna Children's Cancer Research Institute (CCRI)
Classification: Pathogenic for Cortical dysplasia-focal epilepsy syndrome. Last evaluated: 2023-02-08. Review status: criteria provided, single submitter. Criteria: ACMG Guidelines, 2015. Collection method: research. Allele origin: biparental. Inheritance: Autosomal recessive inheritance. Affected: yes.
Comment: ACMG classification of pathogenicity: PVS1, PM2, PM3 and supporting

Pediatric Genetics Clinic, Sheba Medical Center
Classification: Pathogenic for Cortical dysplasia-focal epilepsy syndrome. Last evaluated: 2021-05-13. Review status: no assertion criteria provided. Collection method: clinical testing. Allele origin: inherited. Affected: yes. Observed: 1 homozygote. Not counted in ClinVar's aggregate classification.

NM_014141.6(CNTNAP2):c.2151C>A (p.Tyr717Ter)

Gene: CNTNAP2 (contactin associated protein 2; plus strand). Cytogenetic location: 7q35.
Variant type: single nucleotide variant.
Coding change: c.2151C>A on transcript NM_014141.6 (MANE Select); coding-DNA position 2151, C replaced by A.
Protein change: p.Tyr717Ter; replaces tyrosine 717 with a stop codon.
Molecular consequence: nonsense.
Genome position (GRCh38, 1-based): chr7:147,903,617, C>A. VCF-style: chr7-147903617-C-A. GRCh37 (hg19) VCF-style: chr7-147600709-C-A.
Other names: short protein forms Y717*.
Identifiers: ClinVar variation 1164026 (VCV001164026.5), dbSNP rs2116752243, ClinGen allele CA369926907.